The following is an entry in ClinVar:

NM_000518.5(HBB):c.27dup (p.Ser10fs)

Genes: HBB (hemoglobin subunit beta; minus strand), LOC106099062 (HBB recombination region; plus strand), LOC107133510 (origin of replication at HBB; plus strand). Cytogenetic location: 11p15.4.
Variant type: Duplication.
Coding change: c.27dup on transcript NM_000518.5 (MANE Select); coding-DNA position 27, one base duplicated (G; older notation c.27dupG).
Protein change: p.Ser10fs; shifts the reading frame from serine 10.
Molecular consequence: frameshift variant.
Genome position (GRCh38, 1-based): chr11:5,226,995, C duplicated on the plus strand (G on the coding strand, the reverse complement: HBB is on the minus strand). VCF-style (leftmost placement, unchanged base first): chr11-5226994-A-AC. GRCh37 (hg19) VCF-style: chr11-5248224-A-AC.
Other names: HBB:c.27_28insG; cd8/9+G; CD 8/9 (+G); c.27dupG (NM_000518.5); c.27dup (NM_000518.4); c.26_27insG (NM_000518.5); short protein forms S10fs.
Identifiers: ClinVar variation 36308 (VCV000036308.159), dbSNP rs35699606, ClinGen allele CA125282.

ClinVar aggregate classification (germline): Pathogenic. Review status: criteria provided, multiple submitters, no conflicts (2 of 4 stars). 34 submissions from 34 submitters: Pathogenic (27). 7 of the submissions do not count toward it. Last evaluated 2026-02-02.

Conditions:
Beta-thalassemia HBB/LCRB. Identifiers: MedGen CN322236, MONDO:0013517, OMIM 613985.
METHEMOGLOBINEMIA, BETA TYPE. Also called: Methemoglobinemia, beta-globin type. Identifiers: MedGen C1840779, OMIM 617971.
Hb SS disease (SCD). Also called: Sickle cell anemia; Sickle cell disease; HbS disease; Hemoglobin S Disease; Sickling disorder due to hemoglobin S; Hemoglobin SS. Identifiers: Orphanet 232, Orphanet 275752, MedGen C0002895, MONDO:0011382, OMIM 603903.
Dominant beta-thalassemia. Also called: Beta-thalassemia, dominant inclusion body type. Identifiers: Orphanet 231226, Orphanet 848, MedGen C1858990, MONDO:0011381, OMIM 603902.
Erythrocytosis, familial, 6. Also called: ERYTHROCYTOSIS, BETA-GLOBIN TYPE; POLYCYTHEMIA, BETA-GLOBIN TYPE. Identifiers: MedGen C4693822, MONDO:0054801, OMIM 617980.
Heinz body anemia. Also called: Heinz body hemolytic anemia. Identifiers: Orphanet 178330, MedGen C0700299, MONDO:0007705, OMIM 140700, HP:0005511.
Malaria, susceptibility to. Identifiers: Orphanet 673, MedGen C1970028, MONDO:0021024, OMIM 611162.
Hereditary persistence of fetal hemoglobin. Identifiers: MedGen C0019025, MONDO:0020989, OMIM 141749.
Inborn genetic diseases. Identifiers: MedGen C0950123, MeSH D030342.
HBB-related disorder. Also called: HBB-related condition; HBB-related disorders. Identifiers: MedGen CN239378.
beta Thalassemia (BTHAL). Also called: Cooley's anemia; Erythroblastic anemia; Mediterranean anemia. Identifiers: Orphanet 848, MedGen C0005283, MONDO:0019402. Disease mechanism: loss of function.
Beta zero thalassemia. Identifiers: MedGen C0271980.

Allele frequency attached by ClinVar (database versions not stated): gnomAD below 0.00001 and 0.00011; TOPMed 0.00001; gnomAD exomes 0.00013 and 0.00025; ExAC 0.00028.

Submissions 1 to 9 of 34:

Labcorp Genetics (formerly Invitae), Labcorp
Classification: Pathogenic. Last evaluated: 2026-02-02. Review status: criteria provided, single submitter. Criteria: Invitae Variant Classification Sherloc (09022015). Collection method: clinical testing. Allele origin: germline.
Comment: This sequence change creates a premature translational stop signal (p.Ser10Valfs*14) in the HBB gene. It is expected to result in an absent or disrupted protein product. Loss-of-function variants in HBB are known to be pathogenic (PMID: 23637309). This variant is present in population databases (rs35699606, gnomAD 0.2%). This premature translational stop signal has been observed in individual(s) with autosomal recessive beta thalassemia (PMID: 9949622, 27263053, 28391758, 28635337). This variant is also known as CD8/9 (+G), codon 8/9 (+G), FSC 8/9 (+G), and c.27_28insG. ClinVar contains an entry for this variant (Variation ID: 36308). Algorithms developed to predict the effect of sequence changes on RNA splicing suggest that this variant may disrupt the consensus splice site. For these reasons, this variant has been classified as Pathogenic.

Natera, Inc.
Classification: Pathogenic for Beta thalassemia. Last evaluated: 2025-11-10. Review status: criteria provided, single submitter. Criteria: Natera Variant Classification Schema (03/2026). Collection method: clinical testing. Allele origin: germline.
Comment: The c.27dupG variant in HBB is a frameshift variant predicted to shift the reading frame beginning at codon 10 and leads to a stop codon 14 codons downstream. This variant is expected to result in nonsense mediated decay, truncation, or a dysfunctional protein product. This variant is rare in the general population with a frequency below the threshold expected for the associated phenotype(s). This variant has been observed in one or more individuals affected with the associated recessive disease, as either homozygous or compound heterozygous with a second variant (PMID: 27263053). Given the available evidence, this variant is classified as Pathogenic.

ARUP Laboratories, Molecular Genetics and Genomics, ARUP Laboratories
Classification: Pathogenic. Last evaluated: 2025-07-31. Review status: criteria provided, single submitter. Criteria: ARUP Molecular Germline Variant Investigation Process 2024. Collection method: clinical testing. Allele origin: germline.
Comment: The HBB c.27dup; p.Ser10ValfsTer14 variant (also known as Ser9fs when numbered from the mature protein or as Codons 8/9 (+G), rs35699606, HbVar ID: 786) has been reported in individuals with beta (0) thalassemia, both in the homozygous state and in trans to another pathogenic variant (Jalilian 2017, Kazazian 1984, Muhammad 2017, HbVar database and references therein). Consistent with reports that it is prevalent in affected individuals of South Asian descent (Jalilian 2017, Kazazian 1984, Muhammad 2017), this variant is found in the South Asian population with an overall allele frequency of 0.2% (62/30614 alleles) in the Genome Aggregation Database. This variant causes a frameshift by duplicating a single nucleotide, so it is predicted to result in a truncated protein or mRNA subject to nonsense-mediated decay. Based on available information, this variant is considered to be pathogenic. References: Link to HbVar database: Jalilian M et al. The Frequency of HBB Mutations Among Beta-Thalassemia Patients in Hamadan Province, Iran. Hemoglobin. 2017 Jan;41(1):61-64. PMID: 28391758. Kazazian HH Jr et al. Molecular characterization of seven beta-thalassemia mutations in Asian Indians. EMBO J. 1984 Mar;3(3):593-6. PMID: 6714226. Muhammad R et al. Population-Based Genetic Study of Beta-Thalassemia Mutations in Mardan Division, Khyber Pakhtunkhwa Province, Pakistan. Hemoglobin. 2017 Mar;41(2):104-109. PMID: 28635337.

Center for Genomic Medicine, Rigshospitalet, Copenhagen University Hospital
Classification: Pathogenic. Last evaluated: 2025-03-04. Review status: criteria provided, single submitter. Criteria: ACMG Guidelines, 2015. Collection method: clinical testing. Allele origin: germline.

CeGaT Center for Human Genetics Tuebingen
Classification: Pathogenic. Last evaluated: 2025-03-01. Review status: criteria provided, single submitter. Criteria: CeGaT Center For Human Genetics Tuebingen Variant Classification Criteria Version 2. Collection method: clinical testing. Allele origin: germline. Affected: yes. Observed: 4 variant alleles.
Comment: HBB: PM3:Very Strong, PVS1, PM2:Supporting

Blueprint Genetics
Classification: Pathogenic for HBB-related disorders. Last evaluated: 2024-10-23. Review status: criteria provided, single submitter. Criteria: ACMG Guidelines, 2015. Collection method: clinical testing. Allele origin: germline. Affected: yes. Observed: 5 variant alleles.

Victorian Clinical Genetics Services, Murdoch Childrens Research Institute
Classification: Pathogenic for Beta-thalassemia HBB/LCRB. Last evaluated: 2024-10-10. Review status: criteria provided, single submitter. Criteria: ACMG Guidelines, 2015. Collection method: clinical testing. Allele origin: germline. Affected: yes.
Comment: Based on the classification scheme VCGS_Germline_v1.3.5, this variant is classified as Pathogenic. Following criteria are met: 0102 - Loss of function is a known mechanism of disease in this gene and is associated with HBB-related hemoglobinopathies, including beta thalassemia (OMIM). Dominant negative is also a suggested mechanism (PMID: 29700171). (I) 0108 - This gene is associated with both recessive and dominant disease (OMIM). (I) 0115 - Variants in this gene are known to have variable expressivity. Variable severity has been reported in sickle cell patients carrying the same variants (PMID: 31788855). In addition, clinical severity of beta-thalassemia patients is also dependent on whether variants in HBB are heterozygous, homozygous or compound heterozygous, and the amount of residual protein that is expressed (PMID: 20301599). (I) 0204 - Variant is predicted to result in a truncated protein (premature termination codon is located within the first 102 nucleotides of the coding sequence and is predicted to escape nonsense-mediated decay). (SP) 0252 - This variant is homozygous. (I) 0304 - Variant is present in gnomAD <0.01 (v4: 206 heterozygotes, 2 homozygotes). (SP) 0701 - Other truncation variants comparable to the one identified in this case has very strong previous evidence for pathogenicity (DECIPHER). (SP) 0801 - This variant has very strong previous evidence of pathogenicity in unrelated individuals. This variant has been reported as pathogenic by multiple clinical laboratories in ClinVar. This variant has also been observed in multiple unrelated homozygous and compound heterozygous individuals with beta-thalassemia, including at least four individuals who are compound heterozygous for this variant and c.92+5G>C (PMID: 27263053). (SP) Legend: (SP) - Supporting pathogenic, (I) - Information, (SB) - Supporting benign

Ambry Genetics
Classification: Pathogenic for Inborn genetic diseases. Last evaluated: 2024-07-01. Review status: criteria provided, single submitter. Criteria: Ambry Variant Classification Scheme 2023. Collection method: clinical testing. Allele origin: germline.
Comment: The c.27dupG (p.S10Vfs*14) alteration, located in exon 1 (coding exon 1) of the HBB gene, consists of a duplication of G at position 27, causing a translational frameshift with a predicted alternate stop codon after 14 amino acids. This alteration is expected to result in loss of function by premature protein truncation or nonsense-mediated mRNA decay. Based on data from gnomAD, the GG allele has an overall frequency of 0.025% (63/251192) total alleles studied. The highest observed frequency was 0.203% (62/30614) of South Asian alleles. This variant has been identified in the homozygous state and/or in conjunction with other HBB variants in individuals with features consistent with &beta;-thalassemia (Yasmeen, 2016; Jalilian, 2017). Based on the available evidence, this alteration is classified as pathogenic.

Fulgent Genetics
Classification: Pathogenic for Heinz body anemia; Hereditary persistence of fetal hemoglobin; Dominant beta-thalassemia; Hb SS disease; Malaria, susceptibility to; Beta-thalassemia HBB/LCRB; METHEMOGLOBINEMIA, BETA TYPE; Erythrocytosis, familial, 6. Last evaluated: 2024-06-25. Review status: criteria provided, single submitter. Criteria: ACMG Guidelines, 2015. Collection method: clinical testing. Allele origin: germline.